The following is an entry in ClinVar:

ClinVar aggregate classification (germline): Uncertain significance (1 of 4 stars; one submission).

gnomAD v4.1: 3 of 1,608,736 alleles (0.00019%); highest among the groups gnomAD compares: African/African-American, 0.0027%; no homozygotes.

Submission:

Athena Diagnostics
Classification: Uncertain significance. Last evaluated: 2025-09-30. Review status: criteria provided, single submitter. Criteria: Athena Diagnostics Criteria. Collection method: clinical testing. Allele origin: unknown.
Comment: Available data are insufficient to determine the clinical significance of the variant at this time. The frequency of this variant in the general population is uninformative in assessment of its pathogenicity. Polyphen and MutationTaster predict this amino acid change may be benign.

NM_000435.3(NOTCH3):c.4898C>T (p.Pro1633Leu)

Gene: NOTCH3 (notch receptor 3; minus strand). Cytogenetic location: 19p13.12.
Variant type: single nucleotide variant.
Coding change: c.4898C>T on transcript NM_000435.3 (MANE Select); coding-DNA position 4898, C replaced by T.
Protein change: p.Pro1633Leu; replaces proline 1633 with leucine.
Molecular consequence: missense variant.
Genome position (GRCh38, 1-based): chr19:15,170,547, G>A on the plus strand (C>T on the coding strand, the complement: NOTCH3 is on the minus strand). VCF-style: chr19-15170547-G-A. GRCh37 (hg19) VCF-style: chr19-15281358-G-A.
Other names: short protein forms P1633L.
Identifiers: ClinVar variation 4682289 (VCV004682289.1).